The following is an entry in ClinVar:

ClinVar aggregate classification (germline): Likely benign (1 of 4 stars; one submission).

Allele frequency attached by ClinVar (database versions not stated): ESP Exome Variant Server 0.00009; gnomAD 0.00012; gnomAD exomes 0.00012 and 0.00014; TOPMed 0.00015; ExAC 0.00018.
gnomAD v4.1: 144 of 1,210,070 alleles (0.012%); highest among the groups gnomAD compares: Middle Eastern, 0.046%; no homozygotes.

Submission:

CeGaT Center for Human Genetics Tuebingen
Classification: Likely benign. Last evaluated: 2024-02-01. Review status: criteria provided, single submitter. Criteria: CeGaT Center For Human Genetics Tuebingen Variant Classification Criteria Version 2. Collection method: clinical testing. Allele origin: germline. Affected: yes. Observed: 3 variant alleles.
Comment: NLGN3: BP4, BP7, BS2

NM_181303.2(NLGN3):c.1113C>T (p.His371=)

Gene: NLGN3 (neuroligin 3; plus strand). Cytogenetic location: Xq13.1.
Variant type: single nucleotide variant.
Coding change: c.1113C>T on transcript NM_181303.2 (MANE Select); coding-DNA position 1113, C replaced by T.
Protein change: p.His371=; no amino-acid change (histidine 371 retained).
Molecular consequence: synonymous variant.
Genome position (GRCh38, 1-based): chrX:71,167,210, C>T. VCF-style: chrX-71167210-C-T. GRCh37 (hg19) VCF-style: chrX-70387060-C-T.
Other names: c.993C>T, p.His331= (NM_001166660.2); c.702C>T, p.His234= (NM_001321276.2); c.1053C>T, p.His351= (NM_018977.4).
Identifiers: ClinVar variation 1676169 (VCV001676169.33), dbSNP rs374424855, ClinGen allele CA10445117.